The following is an entry in ClinVar:

ClinVar aggregate classification (germline): Likely benign. Review status: criteria provided, single submitter (1 of 4 stars). 2 submissions from 2 submitters: Likely benign (1). 1 of the submissions does not count toward it. Last evaluated 2025-12-28.

Conditions:
Ulnar-mammary syndrome (UMS). Also called: Ulnar-mammary syndrome of Pallister; PALLISTER ULNAR-MAMMARY SYNDROME; SCHINZEL SYNDROME. Identifiers: Orphanet 3138, MedGen C1866994, MONDO:0008411, OMIM 181450.
TBX3-related disorder. Also called: TBX3-related condition.

gnomAD v4.1: 3 of 1,612,650 alleles (0.00019%); highest among the groups gnomAD compares: Middle Eastern, 0.017%; no homozygotes.

Submissions (2):

Labcorp Genetics (formerly Invitae), Labcorp
Classification: Likely benign for Ulnar-mammary syndrome. Last evaluated: 2025-12-28. Review status: criteria provided, single submitter. Criteria: Invitae Variant Classification Sherloc (09022015). Collection method: clinical testing. Allele origin: germline.

PreventionGenetics, part of Exact Sciences
Classification: Likely benign for TBX3-related condition. Last evaluated: 2024-08-29. Review status: no assertion criteria provided. Collection method: clinical testing. Allele origin: germline. Not counted in ClinVar's aggregate classification.
Comment: This variant is classified as likely benign based on ACMG/AMP sequence variant interpretation guidelines (Richards et al. 2015 PMID: 25741868, with internal and published modifications).

NM_005996.4(TBX3):c.57G>T (p.Pro19=)

Genes: TBX3 (T-box transcription factor 3; minus strand), TBX3-AS1 (TBX3 antisense RNA 1; plus strand). Cytogenetic location: 12q24.21.
Variant type: single nucleotide variant.
Coding change: c.57G>T on transcript NM_005996.4 (MANE Select); coding-DNA position 57, G replaced by T.
Protein change: p.Pro19=; no amino-acid change (proline 19 retained).
Molecular consequence: synonymous variant.
Genome position (GRCh38, 1-based): chr12:114,683,144, C>A on the plus strand (G>T on the coding strand, the complement: TBX3 is on the minus strand). VCF-style: chr12-114683144-C-A. GRCh37 (hg19) VCF-style: chr12-115120949-C-A.
Other names: c.57G>T, p.Pro19= (NM_016569.4).
Identifiers: ClinVar variation 3358446 (VCV003358446.2).